The following is an entry in ClinVar:

ClinVar aggregate classification (germline): Uncertain significance (1 of 4 stars; one submission).

Conditions:
Inborn genetic diseases. Identifiers: MedGen C0950123, MeSH D030342.

Submission:

Ambry Genetics
Classification: Uncertain significance for Inborn genetic diseases. Last evaluated: 2026-01-19. Review status: criteria provided, single submitter. Criteria: Ambry Variant Classification Scheme 2023. Collection method: clinical testing. Allele origin: germline.
Comment: The p.S414G variant (also known as c.1240A>G), located in coding exon 4 of the MBD4 gene, results from an A to G substitution at nucleotide position 1240. The serine at codon 414 is replaced by glycine, an amino acid with similar properties. This amino acid position is conserved. In addition, this alteration is predicted to be tolerated by in silico analysis. Based on the available evidence, the clinical significance of this variant remains unclear.

NM_001276270.2(MBD4):c.1240A>G (p.Ser414Gly)

Gene: MBD4 (methyl-CpG binding domain 4, DNA glycosylase; minus strand). Cytogenetic location: 3q21.3.
Variant type: single nucleotide variant.
Coding change: c.1240A>G on transcript NM_001276270.2 (MANE Select); coding-DNA position 1240, A replaced by G.
Protein change: p.Ser414Gly; replaces serine 414 with glycine.
Molecular consequence: missense variant.
Genome position (GRCh38, 1-based): chr3:129,434,080, T>C on the plus strand (A>G on the coding strand, the complement: MBD4 is on the minus strand). VCF-style: chr3-129434080-T-C. GRCh37 (hg19) VCF-style: chr3-129152923-T-C.
Other names: c.1258A>G, p.Ser420Gly (NM_001276271.2, NM_001276272.2, NM_003925.3); c.304A>G, p.Ser102Gly (NM_001276273.2); short protein forms S414G, S102G, S420G.
Identifiers: ClinVar variation 4825695 (VCV004825695.1).